The following is an entry in ClinVar:

NM_000256.3(MYBPC3):c.2543_2544del (p.Ala848fs)

Gene: MYBPC3 (myosin binding protein C3; minus strand). Cytogenetic location: 11p11.2.
Variant type: Microsatellite.
Coding change: c.2543_2544del on transcript NM_000256.3 (MANE Select); coding-DNA positions 2543 to 2544, 2 bases deleted (CG; older notation c.2543_2544delCG).
Protein change: p.Ala848fs; shifts the reading frame from alanine 848.
Molecular consequence: frameshift variant.
Genome position (GRCh38, 1-based): chr11:47,337,449-47,337,450, CG deleted on the plus strand (CG on the coding strand, the reverse complement: MYBPC3 is on the minus strand); deleting any 2 consecutive bases within chr11:47,337,449-47,337,452 gives the same sequence; the c. name uses the placement nearest the transcript's 3' end. VCF-style (leftmost placement, unchanged base first): chr11-47337448-CCG-C. GRCh37 (hg19) VCF-style: chr11-47358999-CCG-C.
Other names: c.2543_2544delCG (NM_000256.3); short protein forms A848fs.
Identifiers: ClinVar variation 4688780 (VCV004688780.2).

ClinVar aggregate classification (germline): Pathogenic. Review status: criteria provided, multiple submitters, no conflicts (2 of 4 stars). 2 submissions from 2 submitters: Pathogenic (2). Last evaluated 2025-12-26.

Conditions:
Cardiomyopathy (CMYO). Also called: Cardiomyopathies. Identifiers: Orphanet 167848, MedGen C0878544, MONDO:0004994, HP:0001638. Inheritance: Various modes of inheritance.
Hypertrophic cardiomyopathy. Also called: HYPERTROPHIC MYOCARDIOPATHY. Identifiers: Orphanet 217569, MedGen C0007194, MeSH D002312, MONDO:0005045, HP:0001639.

Submissions (2):

Women's Health and Genetics/Laboratory Corporation of America, LabCorp
Classification: Pathogenic for Cardiomyopathy. Last evaluated: 2025-12-26. Review status: criteria provided, single submitter. Criteria: LabCorp Variant Classification Summary - May 2015. Collection method: clinical testing. Allele origin: germline.
Comment: Variant summary: MYBPC3 c.2543_2544delCG (p.Ala848GlyfsX35) results in a premature termination codon, predicted to cause a truncation of the encoded protein or absence of the protein due to nonsense mediated decay, which are commonly known mechanisms for disease. The frequency data for this variant in gnomAD is considered unreliable, as metrics indicate poor data quality at this position. c.2543_2544delCG has been observed in individual(s) affected with Hypertrophic Cardiomyopathy (e.g. Helms_2020, Allouba_2023). To our knowledge, no experimental evidence demonstrating an impact on protein function has been reported. The following publications have been ascertained in the context of this evaluation (PMID: 32841044, 37431535). ClinVar contains an entry for this variant (Variation ID: 619254). Based on the evidence outlined above, the variant was classified as pathogenic.

Labcorp Genetics (formerly Invitae), Labcorp
Classification: Pathogenic for Hypertrophic cardiomyopathy. Last evaluated: 2025-09-20. Review status: criteria provided, single submitter. Criteria: Invitae Variant Classification Sherloc (09022015). Collection method: clinical testing. Allele origin: germline.
Comment: This sequence change creates a premature translational stop signal (p.Ala848Glyfs*35) in the MYBPC3 gene. It is expected to result in an absent or disrupted protein product. Loss-of-function variants in MYBPC3 are known to be pathogenic (PMID: 19574547). This variant is not present in population databases (gnomAD no frequency). This premature translational stop signal has been observed in individual(s) with hypertrophic cardiomyopathy (PMID: 32841044, 37652022). For these reasons, this variant has been classified as Pathogenic.

Literature cited by the submitters: PubMed 32841044 (cited by Women's Health and Genetics/Laboratory Corporation of America, LabCorp and Labcorp Genetics (formerly Invitae), Labcorp); PubMed 37431535 (cited by Women's Health and Genetics/Laboratory Corporation of America, LabCorp); PubMed 19574547 (cited by Labcorp Genetics (formerly Invitae), Labcorp); PubMed 37652022 (cited by Labcorp Genetics (formerly Invitae), Labcorp).